The following is an entry in ClinVar:

NM_017514.5(PLXNA3):c.237G>A (p.Pro79=)

Gene: PLXNA3 (plexin A3; plus strand). Cytogenetic location: Xq28.
Variant type: single nucleotide variant.
Coding change: c.237G>A on transcript NM_017514.5 (MANE Select); coding-DNA position 237, G replaced by A.
Protein change: p.Pro79=; no amino-acid change (proline 79 retained).
Molecular consequence: synonymous variant.
Genome position (GRCh38, 1-based): chrX:154,460,420, G>A. VCF-style: chrX-154460420-G-A. GRCh37 (hg19) VCF-style: chrX-153688760-G-A.
Identifiers: ClinVar variation 3032501 (VCV003032501.2), dbSNP rs781949167, ClinGen allele CA10563633.

ClinVar aggregate classification (germline): Likely benign (0 of 4 stars; one submission).

Conditions:
PLXNA3-related disorder. Also called: PLXNA3-related condition.

Allele frequency attached by ClinVar (database versions not stated): ExAC 0.00001; gnomAD 0.00002; gnomAD exomes 0.00003; TOPMed 0.00003.
gnomAD v4.1: 34 of 1,201,284 alleles (0.0028%); highest among the groups gnomAD compares: Admixed American, 0.031%; no homozygotes.

Submission:

PreventionGenetics, part of Exact Sciences
Classification: Likely benign for PLXNA3-related condition. Last evaluated: 2023-02-23. Review status: no assertion criteria provided. Collection method: clinical testing. Allele origin: germline.
Comment: This variant is classified as likely benign based on ACMG/AMP sequence variant interpretation guidelines (Richards et al. 2015 PMID: 25741868, with internal and published modifications).